The following is an entry in ClinVar:

ClinVar aggregate classification (germline): Likely benign (0 of 4 stars; one submission).

Conditions:
PHF6-related disorder. Also called: PHF6-related condition.

gnomAD v4.1: 1 of 1,207,568 alleles (0.000083%); highest among the groups gnomAD compares: Non-Finnish European, 0.00011%; no homozygotes.

Submission:

PreventionGenetics, part of Exact Sciences
Classification: Likely benign for PHF6-related condition. Last evaluated: 2023-11-14. Review status: no assertion criteria provided. Collection method: clinical testing. Allele origin: germline.
Comment: This variant is classified as likely benign based on ACMG/AMP sequence variant interpretation guidelines (Richards et al. 2015 PMID: 25741868, with internal and published modifications).

NM_001015877.2(PHF6):c.894T>C (p.Val298=)

Gene: PHF6 (PHD finger protein 6; plus strand). Cytogenetic location: Xq26.2.
Variant type: single nucleotide variant.
Coding change: c.894T>C on transcript NM_001015877.2 (MANE Select); coding-DNA position 894, T replaced by C.
Protein change: p.Val298=; no amino-acid change (valine 298 retained).
Molecular consequence: synonymous variant.
Genome position (GRCh38, 1-based): chrX:134,417,228, T>C. VCF-style: chrX-134417228-T-C. GRCh37 (hg19) VCF-style: chrX-133551258-T-C.
Other names: c.894T>C, p.Val298= (NM_032458.3).
Identifiers: ClinVar variation 3350021 (VCV003350021.1).